The following is an entry in ClinVar:

ClinVar aggregate classification (germline): Uncertain significance (1 of 4 stars; one submission).

Conditions:
Intellectual disability. Also called: Intellectual developmental disorder; Intellectual functioning disability; intellectual disabilities. Identifiers: MedGen C3714756, MeSH D008607, MONDO:0001071, HP:0001249.
Progressive spastic paraparesis. Identifiers: MedGen C0747251, HP:0007199.

Submission:

Diagnostics Division, CENTRE FOR DNA FINGERPRINTING AND DIAGNOSTICS
Classification: Uncertain significance for Intellectual disability; Progressive spastic paraparesis. Review status: criteria provided, single submitter. Criteria: ACMG Guidelines, 2015. Collection method: research. Allele origin: germline. Inheritance: Autosomal recessive inheritance. Affected: yes. Observed: 1 homozygote.
Comment: Missense variant

NM_145056.3(DACT3):c.751G>T (p.Gly251Cys)

Gene: DACT3 (dishevelled binding antagonist of beta catenin 3; minus strand). Cytogenetic location: 19q13.32.
Variant type: single nucleotide variant.
Coding change: c.751G>T on transcript NM_145056.3 (MANE Select); coding-DNA position 751, G replaced by T.
Protein change: p.Gly251Cys; replaces glycine 251 with cysteine.
Molecular consequence: missense variant.
Genome position (GRCh38, 1-based): chr19:46,649,621, C>A on the plus strand (G>T on the coding strand, the complement: DACT3 is on the minus strand). VCF-style: chr19-46649621-C-A. GRCh37 (hg19) VCF-style: chr19-47152878-C-A.
Other names: c.76G>T, p.Gly26Cys (NM_001301046.2); short protein forms G251C, G26C.
Identifiers: ClinVar variation 619120 (VCV000619120.3), dbSNP rs1004016023, ClinGen allele CA406492849.